The following is an entry in ClinVar:

NM_130811.4(SNAP25):c.-8C>T

Gene: SNAP25 (synaptosome associated protein 25; plus strand). Cytogenetic location: 20p12.2.
Variant type: single nucleotide variant.
Coding change: c.-8C>T on transcript NM_130811.4 (MANE Select); 8 bases upstream of the start codon, C replaced by T.
Molecular consequence: 5 prime UTR variant.
Genome position (GRCh38, 1-based): chr20:10,275,484, C>T. VCF-style: chr20-10275484-C-T. GRCh37 (hg19) VCF-style: chr20-10256132-C-T.
Other names: c.-8C>T (NM_001322902.2, NM_001322903.2, NM_001322904.2 and 9 more transcripts).
Identifiers: ClinVar variation 4535795 (VCV004535795.1).

ClinVar aggregate classification (germline): Uncertain significance (1 of 4 stars; one submission).

gnomAD v4.1: 5 of 1,600,596 alleles (0.00031%); highest among the groups gnomAD compares: Non-Finnish European, 0.00043%; no homozygotes.

Submission:

Women's Health and Genetics/Laboratory Corporation of America, LabCorp
Classification: Uncertain significance. Last evaluated: 2025-09-04. Review status: criteria provided, single submitter. Criteria: LabCorp Variant Classification Summary - May 2015. Collection method: clinical testing. Allele origin: germline.
Comment: Variant summary: SNAP25 c.-8C>T is located in the untranslated mRNA region upstream of the initiation codon. The variant allele was found at a frequency of 3.1e-06 in 1600596 control chromosomes. The available data on variant occurrences in the general population are insufficient to allow any conclusion about variant significance. To our knowledge, no occurrence of c.-8C>T in individuals affected with SNAP25-related conditions and no experimental evidence demonstrating its impact on protein function have been reported. No submitters have cited clinical-significance assessments for this variant to ClinVar. Based on the evidence outlined above, the variant was classified as uncertain significance.